The following is an entry in ClinVar:

ClinVar aggregate classification (germline): Pathogenic/Likely pathogenic. Review status: criteria provided, multiple submitters, no conflicts (2 of 4 stars). 2 submissions from 2 submitters: Pathogenic (1); Likely pathogenic (1). Last evaluated 2025-12-24.

Conditions:
DNAAF4-related disorder. Also called: DNAAF4-related condition.

Allele frequency attached by ClinVar (database versions not stated): TOPMed below 0.00001; gnomAD 0.00003 and 0.00004; ExAC 0.00004; gnomAD exomes 0.00006.
gnomAD v4.1: 47 of 1,605,474 alleles (0.0029%); highest among the groups gnomAD compares: Non-Finnish European, 0.0026%; no homozygotes.

Submissions (2):

Labcorp Genetics (formerly Invitae), Labcorp
Classification: Pathogenic. Last evaluated: 2025-12-24. Review status: criteria provided, single submitter. Criteria: Invitae Variant Classification Sherloc (09022015). Collection method: clinical testing. Allele origin: germline.
Comment: This sequence change creates a premature translational stop signal (p.Gln4*) in the DNAAF4 gene. It is expected to result in an absent or disrupted protein product. Loss-of-function variants in DNAAF4 are known to be pathogenic (PMID: 23872636). This variant is present in population databases (rs762704959, gnomAD 0.03%). This variant has not been reported in the literature in individuals affected with DNAAF4-related conditions. ClinVar contains an entry for this variant (Variation ID: 1072571). For these reasons, this variant has been classified as Pathogenic.

PreventionGenetics, part of Exact Sciences
Classification: Likely pathogenic for DNAAF4-related condition. Last evaluated: 2022-09-06. Review status: criteria provided, single submitter. Criteria: ACMG Guidelines, 2015. Collection method: clinical testing. Allele origin: germline.
Comment: The DNAAF4 c.10C>T variant is predicted to result in premature protein termination (p.Gln4*). To our knowledge, this variant has not been reported in the literature. This variant is reported in 0.028% of alleles in individuals of European (Finnish) descent in gnomAD. A nearby nonsense variant c.31C>T (p.Gln11*) has been reported in the homozygous state in an individual with primary ciliary dyskinesia (Aprea et al. 2021. PubMed ID: 33635866). Nonsense variants in DNAAF4 are expected to be pathogenic. This variant is interpreted as likely pathogenic.

Literature cited by the submitters: PubMed 23872636 (cited by Labcorp Genetics (formerly Invitae), Labcorp).

NM_130810.4(DNAAF4):c.10C>T (p.Gln4Ter)

Genes: DNAAF4 (dynein axonemal assembly factor 4; minus strand), DNAAF4-CCPG1 (DNAAF4-CCPG1 readthrough (NMD candidate); minus strand). Cytogenetic location: 15q21.3.
Variant type: single nucleotide variant.
Coding change: c.10C>T on transcript NM_130810.4 (MANE Select); coding-DNA position 10, C replaced by T.
Protein change: p.Gln4Ter; replaces glutamine 4 with a stop codon.
Molecular consequence: nonsense. On other transcripts: non-coding transcript variant (1).
Genome position (GRCh38, 1-based): chr15:55,498,320, G>A on the plus strand (C>T on the coding strand, the complement: DNAAF4 is on the minus strand). VCF-style: chr15-55498320-G-A. GRCh37 (hg19) VCF-style: chr15-55790518-G-A.
Other names: c.10C>T (NM_130810.3); c.10C>T, p.Gln4Ter (NM_001033559.3, NM_001033560.2); short protein forms Q4*.
Identifiers: ClinVar variation 1072571 (VCV001072571.7), dbSNP rs762704959, ClinGen allele CA7575182.